The following is an entry in ClinVar:

ClinVar aggregate classification (germline): Conflicting classifications of pathogenicity. Review status: criteria provided, conflicting classifications (1 of 4 stars). 3 submissions from 3 submitters: Pathogenic (2); Uncertain significance (1). Last evaluated 2025-12-16.

Conditions:
Fanconi anemia (FA). Also called: Fanconi's anemia. Identifiers: Orphanet 84, MedGen C0015625, MeSH D005199, MONDO:0019391.
Fanconi anemia complementation group F. Also called: FANCF-Related Fanconi Anemia. Identifiers: Orphanet 84, MedGen C3469526, MONDO:0011325, OMIM 603467.

Submissions (3):

Labcorp Genetics (formerly Invitae), Labcorp
Classification: Pathogenic for Fanconi anemia. Last evaluated: 2025-12-16. Review status: criteria provided, single submitter. Criteria: Invitae Variant Classification Sherloc (09022015). Collection method: clinical testing. Allele origin: germline.
Comment: This sequence change affects the initiator codon of the FANCF mRNA. This change may impact translation initiation or efficiency. The next in-frame methionine is located at codon 145. This variant is not present in population databases (gnomAD no frequency). Disruption of the initiator codon has been observed in individuals with Fanconi anemia (PMID: 27714961; internal data). ClinVar contains an entry for this variant (Variation ID: 304209). This variant disrupts the N-terminal domain of the FANCF protein, which stabilizes the interaction with FANCA and FANCG, and is also essential for the binding of the FANCC/FANCE subcomplex (PMID: 15262960). While functional studies have not been performed to directly test the effect of this variant on FANCF protein function, this suggests that disruption of this region of the protein is causative of disease. For these reasons, this variant has been classified as Pathogenic.

Fulgent Genetics
Classification: Pathogenic for Fanconi anemia complementation group F. Last evaluated: 2024-04-08. Review status: criteria provided, single submitter. Criteria: ACMG Guidelines, 2015. Collection method: clinical testing. Allele origin: germline.

Illumina Laboratory Services, Illumina
Classification: Uncertain significance for Fanconi anemia complementation group F. Last evaluated: 2018-01-13. Review status: criteria provided, single submitter. Criteria: ICSL Variant Classification Criteria 13 December 2019. Collection method: clinical testing. Allele origin: germline.

Literature cited by the submitters: PubMed 27714961 (cited by Labcorp Genetics (formerly Invitae), Labcorp); PubMed 15262960 (cited by Labcorp Genetics (formerly Invitae), Labcorp).

NM_022725.4(FANCF):c.2T>C (p.Met1Thr)

Gene: FANCF (FA complementation group F; minus strand). Cytogenetic location: 11p14.3.
Variant type: single nucleotide variant.
Coding change: c.2T>C on transcript NM_022725.4 (MANE Select); coding-DNA position 2, T replaced by C.
Protein change: p.Met1Thr; changes the start codon (methionine 1).
Molecular consequence: missense variant, initiator codon variant.
Genome position (GRCh38, 1-based): chr11:22,625,809, A>G on the plus strand (T>C on the coding strand, the complement: FANCF is on the minus strand). VCF-style: chr11-22625809-A-G. GRCh37 (hg19) VCF-style: chr11-22647355-A-G.
Other names: short protein forms M1T.
Identifiers: ClinVar variation 304209 (VCV000304209.11), dbSNP rs745495865, ClinGen allele CA10638238.